The following is an entry in ClinVar:

ClinVar aggregate classification (germline): Uncertain significance (1 of 4 stars; one submission).

Submission:

Labcorp Genetics (formerly Invitae), Labcorp
Classification: Uncertain significance. Last evaluated: 2025-06-16. Review status: criteria provided, single submitter. Criteria: Invitae Variant Classification Sherloc (09022015). Collection method: clinical testing. Allele origin: germline.
Comment: This sequence change replaces arginine, which is basic and polar, with tryptophan, which is neutral and slightly polar, at codon 166 of the PAX4 protein (p.Arg166Trp). This variant is present in population databases (rs763356440, gnomAD 0.01%). This variant has not been reported in the literature in individuals affected with PAX4-related conditions. An algorithm developed to predict the effect of missense changes on protein structure and function (PolyPhen-2) suggests that this variant is likely to be disruptive. In summary, the available evidence is currently insufficient to determine the role of this variant in disease. Therefore, it has been classified as a Variant of Uncertain Significance.

NM_001366110.1(PAX4):c.520C>T (p.Arg174Trp)

Gene: PAX4 (paired box 4; minus strand). Cytogenetic location: 7q32.1.
Variant type: single nucleotide variant.
Coding change: c.520C>T on transcript NM_001366110.1 (MANE Select); coding-DNA position 520, C replaced by T.
Protein change: p.Arg174Trp; replaces arginine 174 with tryptophan.
Molecular consequence: missense variant.
Genome position (GRCh38, 1-based): chr7:127,613,798, G>A on the plus strand (C>T on the coding strand, the complement: PAX4 is on the minus strand). VCF-style: chr7-127613798-G-A. GRCh37 (hg19) VCF-style: chr7-127253852-G-A.
Other names: c.520C>T, p.Arg174Trp (NM_001366111.1); short protein forms R174W.
Identifiers: ClinVar variation 4696806 (VCV004696806.1).
Genomic context (GRCh38, chr7:127,613,798, plus strand): 5'-TCTGTCCCAGCCCAGCACCTTTCTCCAGTGCCTCTGCTTGGCTTGGGGAGAAGATAGTCC[G>A]ATTCCGGTGGCCGGTCCCTGGGTGGGTACCCCGGGGAGTCTCAGAGCCACTATGGGGAGT-3'
Protein context (NP_001353039.1, residues 164-184): GTHPGTGHRN[Arg174Trp]TIFSPSQAEA